The following is an entry in ClinVar:

NM_003143.3(SSBP1):c.25-7T>A

Gene: SSBP1 (single stranded DNA binding protein 1; plus strand). Cytogenetic location: 7q34.
Variant type: single nucleotide variant.
Coding change: c.25-7T>A on transcript NM_003143.3 (MANE Select); 7 bases into the intron before coding-DNA position 25, T replaced by A.
Molecular consequence: intron variant.
Genome position (GRCh38, 1-based): chr7:141,742,162, T>A. VCF-style: chr7-141742162-T-A. GRCh37 (hg19) VCF-style: chr7-141441962-T-A.
Other names: c.25-7T>A (NM_001256511.1, NM_001256512.1, NM_001256513.1 and 1 more transcripts).
Identifiers: ClinVar variation 3025308 (VCV003025308.22), dbSNP rs202051575, ClinGen allele CA4518663.
Genomic context (GRCh38, chr7:141,742,162, plus strand): 5'-AATTCTTCTGTTTGCATTTGCCTTTCCTAAAAAATTAAAGCCATGTTATTCATTTGTTCT[T>A]CTTTAGGTACTTCGTCAGTTTGTAAGACATGAGTCCGAAACAACTACCAGTTTGGTTCTT-3'

ClinVar aggregate classification (germline): Likely benign (1 of 4 stars; one submission).

Allele frequency attached by ClinVar (database versions not stated): ExAC 0.00030; gnomAD 0.00017; TOPMed 0.00018; ESP Exome Variant Server 0.00038; gnomAD exomes 0.00016.
gnomAD v4.1: 262 of 1,597,550 alleles (0.016%); highest among the groups gnomAD compares: Non-Finnish European, 0.019%; 1 homozygote.

Submission:

CeGaT Center for Human Genetics Tuebingen
Classification: Likely benign. Last evaluated: 2026-07-01. Review status: criteria provided, single submitter. Criteria: CeGaT Center For Human Genetics Tuebingen Variant Classification Criteria Version 2. Collection method: clinical testing. Allele origin: germline. Affected: yes. Observed: 3 variant alleles.
Comment: SSBP1: BP4